The following is an entry in ClinVar:

ClinVar aggregate classification (germline): Uncertain significance (1 of 4 stars; one submission).

Conditions:
Immunodeficiency 104. Also called: Severe combined immunodeficiency, autosomal recessive, T cell-negative, B cell-positive, NK cell-positive; SCID, AUTOSOMAL RECESSIVE, T CELL-NEGATIVE, B CELL-POSITIVE, NK CELL-POSITIVE; IMMUNODEFICIENCY 104, SEVERE COMBINED; Severe Combined Immune Deficiency, Autosomal Recessive, TCell -Negative, B Cell-Positive, NK Cell-Positive, IL7R-Related. Identifiers: MedGen C5676890, MONDO:0012163, OMIM 608971.

Allele frequency attached by ClinVar (database versions not stated): gnomAD exomes below 0.00001.

Submission:

Labcorp Genetics (formerly Invitae), Labcorp
Classification: Uncertain significance for Immunodeficiency 104. Last evaluated: 2018-08-14. Review status: criteria provided, single submitter. Criteria: Invitae Variant Classification Sherloc (09022015). Collection method: clinical testing. Allele origin: germline.
Comment: In summary, the available evidence is currently insufficient to determine the role of this variant in disease. Therefore, it has been classified as a Variant of Uncertain Significance. Algorithms developed to predict the effect of missense changes on protein structure and function (SIFT, PolyPhen-2, Align-GVGD) all suggest that this variant is likely to be disruptive, but these predictions have not been confirmed by published functional studies and their clinical significance is uncertain. This variant has not been reported in the literature in individuals with PTPRC-related disease. This variant is not present in population databases (ExAC no frequency). This sequence change replaces methionine with threonine at codon 1060 of the PTPRC protein (p.Met1060Thr). The methionine residue is highly conserved and there is a moderate physicochemical difference between methionine and threonine.

NM_002838.5(PTPRC):c.3179T>C (p.Met1060Thr)

Gene: PTPRC (protein tyrosine phosphatase receptor type C; plus strand). Cytogenetic location: 1q32.1.
Variant type: single nucleotide variant.
Coding change: c.3179T>C on transcript NM_002838.5 (MANE Select); coding-DNA position 3179, T replaced by C.
Protein change: p.Met1060Thr; replaces methionine 1060 with threonine.
Molecular consequence: missense variant.
Genome position (GRCh38, 1-based): chr1:198,750,598, T>C. VCF-style: chr1-198750598-T-C. GRCh37 (hg19) VCF-style: chr1-198719727-T-C.
Other names: c.2696T>C, p.Met899Thr (NM_080921.4); short protein forms M899T, M1060T.
Identifiers: ClinVar variation 656137 (VCV000656137.9), dbSNP rs1571894648, ClinGen allele CA344054139.